The following is an entry in ClinVar:

ClinVar aggregate classification (germline): Pathogenic (1 of 4 stars; one submission).

Conditions:
Glycogen storage disease IXa1. Also called: GLYCOGEN STORAGE DISEASE VIII; GSD VIII; Glycogen storage disease 8; LIVER GLYCOGENOSIS, X-LINKED, TYPE I. Identifiers: Orphanet 264580, MedGen C3694531, MONDO:0010598, OMIM 306000.

Submission:

Labcorp Genetics (formerly Invitae), Labcorp
Classification: Pathogenic for Glycogen storage disease IXa1. Last evaluated: 2020-11-23. Review status: criteria provided, single submitter. Criteria: Invitae Variant Classification Sherloc (09022015). Collection method: clinical testing. Allele origin: germline.
Comment: For these reasons, this variant has been classified as Pathogenic. Loss-of-function variants in PHKA2 are known to be pathogenic (PMID: 7711737, 10330341). This variant has not been reported in the literature in individuals with PHKA2-related conditions. This variant is not present in population databases (ExAC no frequency). This sequence change creates a premature translational stop signal (p.Thr793Lysfs*16) in the PHKA2 gene. It is expected to result in an absent or disrupted protein product.

Literature cited by the submitters: PubMed 7711737; PubMed 10330341.

NM_000292.3(PHKA2):c.2378_2379del (p.Thr793fs)

Gene: PHKA2 (phosphorylase kinase regulatory subunit alpha 2; minus strand). Cytogenetic location: Xp22.13.
Variant type: Microsatellite.
Coding change: c.2378_2379del on transcript NM_000292.3 (MANE Select); coding-DNA positions 2378 to 2379, 2 bases deleted (CA; older notation c.2378_2379delCA).
Protein change: p.Thr793fs; shifts the reading frame from threonine 793.
Molecular consequence: frameshift variant.
Genome position (GRCh38, 1-based): chrX:18,908,038-18,908,039, TG deleted on the plus strand (CA on the coding strand, the reverse complement: PHKA2 is on the minus strand); deleting any 2 consecutive bases within chrX:18,908,038-18,908,042 gives the same sequence; the c. name uses the placement nearest the transcript's 3' end. VCF-style (leftmost placement, unchanged base first): chrX-18908037-TTG-T. GRCh37 (hg19) VCF-style: chrX-18926155-TTG-T.
Other names: short protein forms T793fs.
Identifiers: ClinVar variation 1072784 (VCV001072784.7), dbSNP rs2147859879, ClinGen allele CA2580615426.